The following is an entry in ClinVar:

NM_001039660.2(IL18BP):c.41T>C (p.Leu14Ser)

Gene: IL18BP (interleukin 18 binding protein; plus strand). Cytogenetic location: 11q13.4.
Variant type: single nucleotide variant.
Coding change: c.41T>C on transcript NM_001039660.2 (MANE Select); coding-DNA position 41, T replaced by C.
Protein change: p.Leu14Ser; replaces leucine 14 with serine.
Molecular consequence: missense variant.
Genome position (GRCh38, 1-based): chr11:72,000,363, T>C. VCF-style: chr11-72000363-T-C. GRCh37 (hg19) VCF-style: chr11-71711409-T-C.
Other names: c.41T>C, p.Leu14Ser (NM_001039659.2, NM_001145055.1, NM_001145057.1 and 3 more transcripts); short protein forms L14S.
Identifiers: ClinVar variation 2748801 (VCV002748801.4), dbSNP rs748178291, ClinGen allele CA6166092.
Genomic context (GRCh38, chr11:72,000,363, plus strand): 5'-GCCCACTCTGTCTCCAGAGCCGCTGACCTGTAACTGTCCTTTCCTCAGACCTCAGCCCTT[T>C]GTGGGTCCTGCTCCTGTGTGCCCACGTCGTCACTCTCCTGGTCAGAGCCACACCTGTCTC-3'
Protein context (NP_001034749.1, residues 4-24): RHNWTPDLSP[Leu14Ser]WVLLLCAHVV

ClinVar aggregate classification (germline): Uncertain significance. Review status: criteria provided, multiple submitters, no conflicts (2 of 4 stars). 2 submissions from 2 submitters: Uncertain significance (2). Last evaluated 2026-01-12.

Allele frequency attached by ClinVar (database versions not stated): gnomAD exomes 0.00001; TOPMed 0.00003; ExAC 0.00002; gnomAD 0.00002.
gnomAD v4.1: 13 of 1,613,796 alleles (0.00081%); highest among the groups gnomAD compares: Admixed American, 0.013%; no homozygotes.

Submissions (2):

Labcorp Genetics (formerly Invitae), Labcorp
Classification: Uncertain significance. Last evaluated: 2026-01-12. Review status: criteria provided, single submitter. Criteria: Invitae Variant Classification Sherloc (09022015). Collection method: clinical testing. Allele origin: germline.
Comment: This sequence change replaces leucine, which is neutral and non-polar, with serine, which is neutral and polar, at codon 14 of the IL18BP protein (p.Leu14Ser). This variant is present in population databases (rs748178291, gnomAD 0.01%). This variant has not been reported in the literature in individuals affected with IL18BP-related conditions. ClinVar contains an entry for this variant (Variation ID: 2748801). An algorithm developed to predict the effect of missense changes on protein structure and function (PolyPhen-2) suggests that this variant is likely to be disruptive. In summary, the available evidence is currently insufficient to determine the role of this variant in disease. Therefore, it has been classified as a Variant of Uncertain Significance.

Ambry Genetics
Classification: Uncertain significance. Last evaluated: 2024-06-17. Review status: criteria provided, single submitter. Criteria: Ambry Variant Classification Scheme 2023. Collection method: clinical testing. Allele origin: germline.